The following is an entry in ClinVar:

NM_017739.4(POMGNT1):c.120+1G>A

Gene: POMGNT1 (protein O-linked mannose N-acetylglucosaminyltransferase 1 (beta 1,2-); minus strand). Cytogenetic location: 1p34.1.
Variant type: single nucleotide variant.
Coding change: c.120+1G>A on transcript NM_017739.4 (MANE Select); the canonical splice donor site of the intron after coding-DNA position 120, G replaced by A.
Molecular consequence: splice donor variant.
Genome position (GRCh38, 1-based): chr1:46,197,701, C>T on the plus strand (G>A on the coding strand, the complement: POMGNT1 is on the minus strand). VCF-style: chr1-46197701-C-T. GRCh37 (hg19) VCF-style: chr1-46663373-C-T.
Other names: c.120+1G>A (NM_001243766.2, NM_001410783.1).
Identifiers: ClinVar variation 2936934 (VCV002936934.3), dbSNP rs1658353990, ClinGen allele CA340192541.

ClinVar aggregate classification (germline): Likely pathogenic (1 of 4 stars; one submission).

Conditions:
Autosomal recessive limb-girdle muscular dystrophy type 2O. Also called: Limb-Girdle Muscular Dystrophy Type 3C; MUSCULAR DYSTROPHY-DYSTROGLYCANOPATHY (LIMB-GIRDLE), TYPE C, 3; MUSCULAR DYSTROPHY-DYSTROGLYCANOPATHY, LIMB-GIRDLE, POMGNT1-RELATED. Identifiers: Orphanet 206564, MedGen C3150417, MONDO:0013161, OMIM 613157.
Muscular dystrophy-dystroglycanopathy (congenital with impaired intellectual development), type B, 3. Also called: MUSCULAR DYSTROPHY, CONGENITAL, POMGNT1-RELATED; Muscular dystrophy-dystroglycanopathy (congenital with intellectual disability), type B3. Identifiers: MedGen C3150412, MONDO:0013155, OMIM 613151.

Allele frequency attached by ClinVar (database versions not stated): gnomAD 0.00001.
gnomAD v4.1: 2 of 1,613,986 alleles (0.00012%); highest among the groups gnomAD compares: African/African-American, 0.0013%; no homozygotes.

Submission:

Labcorp Genetics (formerly Invitae), Labcorp
Classification: Likely pathogenic for Autosomal recessive limb-girdle muscular dystrophy type 2O; Muscular dystrophy-dystroglycanopathy (congenital with impaired intellectual development), type B, 3. Last evaluated: 2023-04-20. Review status: criteria provided, single submitter. Criteria: Invitae Variant Classification Sherloc (09022015). Collection method: clinical testing. Allele origin: germline.
Comment: In summary, the currently available evidence indicates that the variant is pathogenic, but additional data are needed to prove that conclusively. Therefore, this variant has been classified as Likely Pathogenic. Algorithms developed to predict the effect of sequence changes on RNA splicing suggest that this variant may disrupt the consensus splice site. This variant has not been reported in the literature in individuals affected with POMGNT1-related conditions. This variant is not present in population databases (gnomAD no frequency). This sequence change affects a donor splice site in intron 2 of the POMGNT1 gene. It is expected to disrupt RNA splicing. Variants that disrupt the donor or acceptor splice site typically lead to a loss of protein function (PMID: 16199547), and loss-of-function variants in POMGNT1 are known to be pathogenic (PMID: 19299310, 20816175, 21447391, 26908613, 27391550).

Literature cited by the submitters: PubMed 16199547; PubMed 19299310; PubMed 20816175; PubMed 21447391; PubMed 26908613; PubMed 27391550.